The following is an entry in ClinVar:

NM_032578.4(MYPN):c.3660-14C>T

Gene: MYPN (myopalladin; plus strand). Cytogenetic location: 10q21.3.
Variant type: single nucleotide variant.
Coding change: c.3660-14C>T on transcript NM_032578.4 (MANE Select); 14 bases into the intron before coding-DNA position 3660, C replaced by T.
Molecular consequence: intron variant.
Genome position (GRCh38, 1-based): chr10:68,206,756, C>T. VCF-style: chr10-68206756-C-T. GRCh37 (hg19) VCF-style: chr10-69966513-C-T.
Other names: c.3660-14C>T (NM_001256267.2); c.2778-14C>T (NM_001256268.2).
Identifiers: ClinVar variation 378227 (VCV000378227.5), dbSNP rs376460992, ClinGen allele CA5523125.

ClinVar aggregate classification (germline): Benign/Likely benign. Review status: criteria provided, multiple submitters, no conflicts (2 of 4 stars). 3 submissions from 3 submitters: Benign (1); Likely benign (2). Last evaluated 2026-01-02.

Conditions:
Dilated cardiomyopathy 1KK (CMD1KK). Identifiers: Orphanet 154, Orphanet 75249, MedGen C3714995, MONDO:0014100, OMIM 615248.

Allele frequency attached by ClinVar (database versions not stated): ExAC 0.00008; gnomAD exomes 0.00008; gnomAD 0.00021 and 0.00022; TOPMed 0.00023; ESP Exome Variant Server 0.00031; 1000 Genomes Project 0.00060; 1000 Genomes Project 30x 0.00062.
gnomAD v4.1: 55 of 1,614,122 alleles (0.0034%); highest among the groups gnomAD compares: African/African-American, 0.063%; no homozygotes.

Submissions (3):

Women's Health and Genetics/Laboratory Corporation of America, LabCorp
Classification: Likely benign. Last evaluated: 2026-01-02. Review status: criteria provided, single submitter. Criteria: LabCorp Variant Classification Summary - May 2015. Collection method: clinical testing. Allele origin: germline.

Labcorp Genetics (formerly Invitae), Labcorp
Classification: Likely benign for Dilated cardiomyopathy 1KK. Last evaluated: 2025-09-20. Review status: criteria provided, single submitter. Criteria: Invitae Variant Classification Sherloc (09022015). Collection method: clinical testing. Allele origin: germline.

GeneDx
Classification: Benign. Last evaluated: 2016-02-01. Review status: criteria provided, single submitter. Criteria: GeneDx Variant Classification (06012015). Collection method: clinical testing. Allele origin: germline. Affected: yes.
Comment: This variant is considered likely benign or benign based on one or more of the following criteria: it is a conservative change, it occurs at a poorly conserved position in the protein, it is predicted to be benign by multiple in silico algorithms, and/or has population frequency not consistent with disease.